The following is an entry in ClinVar:

ClinVar aggregate classification (germline): Benign (0 of 4 stars; one submission).

Conditions:
MEI1-related disorder. Also called: MEI1-related condition.

Submission:

PreventionGenetics, part of Exact Sciences
Classification: Benign for MEI1-related condition. Last evaluated: 2019-06-07. Review status: no assertion criteria provided. Collection method: clinical testing. Allele origin: germline.
Comment: This variant is classified as benign based on ACMG/AMP sequence variant interpretation guidelines (Richards et al. 2015 PMID: 25741868, with internal and published modifications).

NM_152513.4(MEI1):c.-3GA[3] (p.Met1fs)

Genes: MEI1 (meiotic double-stranded break formation protein 1; plus strand), LOC130067553 (ATAC-STARR-seq lymphoblastoid silent region 13796; plus strand). Cytogenetic location: 22q13.2.
Variant type: Microsatellite.
Coding change: c.-3GA[3] on transcript NM_152513.4 (MANE Select); three copies in a row of the 2-base unit GA starting at c.-3; the reference has two copies in a row; one copy, 2 bases duplicated.
Protein change: p.Met1fs; shifts the reading frame from methionine 1.
Molecular consequence: frameshift variant, initiator codon variant.
Genome position (GRCh38, 1-based): chr22:41,699,538-41,699,539, GA duplicated; duplicating any 2 consecutive bases within chr22:41,699,536-41,699,539 gives the same sequence; the position shown is the placement nearest the transcript's 3' end. VCF-style (leftmost placement, unchanged base first): chr22-41699535-G-GGA. GRCh37 (hg19) VCF-style: chr22-42095539-G-GGA.
Other names: short protein forms M1fs.
Identifiers: ClinVar variation 3056418 (VCV003056418.2), dbSNP rs143622216, ClinGen allele CA10259716.